The following is an entry in ClinVar:

ClinVar aggregate classification (germline): Uncertain significance. Review status: criteria provided, multiple submitters, no conflicts (2 of 4 stars). 4 submissions from 4 submitters: Uncertain significance (4). Last evaluated 2025-12-09.

Conditions:
Colorectal cancer. Also called: Colorectal cancer, somatic; Malignant Colorectal Neoplasm. Identifiers: MedGen C0346629, MONDO:0005575, OMIM 114500.
Hereditary cancer-predisposing syndrome. Also called: Tumor predisposition; Hereditary Cancer Syndrome; Hereditary neoplastic syndrome; Neoplastic Syndromes, Hereditary. Identifiers: Orphanet 140162, MedGen C0027672, MeSH D009386, MONDO:0015356.
Oligodontia-cancer predisposition syndrome. Also called: TOOTH AGENESIS-COLORECTAL CANCER SYNDROME. Identifiers: Orphanet 300576, MedGen C1837750, MONDO:0012075, OMIM 608615. Disease mechanism: loss of function.

Allele frequency attached by ClinVar (database versions not stated): TOPMed 0.00001.
gnomAD v4.1: 9 of 1,601,284 alleles (0.00056%); highest among the groups gnomAD compares: Non-Finnish European, 0.00076%; no homozygotes.

Submissions (4):

Ambry Genetics
Classification: Uncertain significance for Hereditary cancer-predisposing syndrome. Last evaluated: 2025-12-09. Review status: criteria provided, single submitter. Criteria: Ambry Variant Classification Scheme 2023. Collection method: clinical testing. Allele origin: germline.

Labcorp Genetics (formerly Invitae), Labcorp
Classification: Uncertain significance for Oligodontia-cancer predisposition syndrome. Last evaluated: 2025-10-19. Review status: criteria provided, single submitter. Criteria: Invitae Variant Classification Sherloc (09022015). Collection method: clinical testing. Allele origin: germline.
Comment: This sequence change replaces arginine, which is basic and polar, with histidine, which is basic and polar, at codon 675 of the AXIN2 protein (p.Arg675His). This variant is not present in population databases (gnomAD no frequency). This variant has not been reported in the literature in individuals affected with AXIN2-related conditions. ClinVar contains an entry for this variant (Variation ID: 182011). An algorithm developed to predict the effect of missense changes on protein structure and function outputs the following: PolyPhen-2: "Benign". The histidine amino acid residue is found in multiple mammalian species, which suggests that this missense change does not adversely affect protein function. In summary, the available evidence is currently insufficient to determine the role of this variant in disease. Therefore, it has been classified as a Variant of Uncertain Significance.

Baylor Genetics
Classification: Uncertain significance for Colorectal cancer. Last evaluated: 2024-01-03. Review status: criteria provided, single submitter. Criteria: ACMG Guidelines, 2015. Collection method: clinical testing. Allele origin: unknown.

GeneDx
Classification: Uncertain significance. Last evaluated: 2022-08-05. Review status: criteria provided, single submitter. Criteria: GeneDx Variant Classification Process June 2021. Collection method: clinical testing. Allele origin: germline. Affected: yes.
Comment: Not observed at significant frequency in large population cohorts (gnomAD); In silico analysis supports that this missense variant does not alter protein structure/function; Has not been previously published as pathogenic or benign to our knowledge; This variant is associated with the following publications: (PMID: 15735151)

NM_004655.4(AXIN2):c.2024G>A (p.Arg675His)

Gene: AXIN2 (axin 2; minus strand). Cytogenetic location: 17q24.1.
Variant type: single nucleotide variant.
Coding change: c.2024G>A on transcript NM_004655.4 (MANE Select); coding-DNA position 2024, G replaced by A.
Protein change: p.Arg675His; replaces arginine 675 with histidine.
Molecular consequence: missense variant.
Genome position (GRCh38, 1-based): chr17:65,536,437, C>T on the plus strand (G>A on the coding strand, the complement: AXIN2 is on the minus strand). VCF-style: chr17-65536437-C-T. GRCh37 (hg19) VCF-style: chr17-63532555-C-T.
Other names: p.R675H:CGT>CAT; c.2024G>A (LRG_296t1); c.1829G>A, p.Arg610His (NM_001363813.1); short protein forms R675H, R610H.
Identifiers: ClinVar variation 182011 (VCV000182011.18), dbSNP rs730881401, ClinGen allele CA298401.